The following is an entry in ClinVar:

GRCh37/hg19 18p11.22-11.21(chr18:10140629-12236187)x3

Genes: ANKRD62 (ankyrin repeat domain 62; plus strand), APCDD1 (APC down-regulated 1; plus strand), CHMP1B (charged multivesicular body protein 1B; plus strand), GNAL (G protein subunit alpha L; plus strand), IMPA2 (inositol monophosphatase 2; plus strand) and 4 more. Cytogenetic location: 18p11.22-11.21.
Variant type: copy number gain.
Change: copy number 3 (three copies instead of two) of chr18:10,140,629-12,236,187 (2.10 Mb, GRCh37 coordinates, 1-based), cytogenetic band 18p11.22-11.21.
Identifiers: ClinVar variation 929360 (VCV000929360.2).

ClinVar aggregate classification (germline): Uncertain significance (1 of 4 stars; one submission).

Submission:

Clinical Genomics Laboratory, Laboratory for Precision Diagnostics, University of Washington
Classification: Uncertain significance. Last evaluated: 2019-12-17. Review status: criteria provided, single submitter. Criteria: Clinical Cytogenomics Laboratory Policy on CNV Interpretation. Collection method: clinical testing. Allele origin: unknown. Affected: yes. Observed: 1 variant allele.